The following is an entry in ClinVar:

NM_004281.4(BAG3):c.1417C>T (p.Arg473Ter)

Gene: BAG3 (BAG cochaperone 3; plus strand). Cytogenetic location: 10q26.11.
Variant type: single nucleotide variant.
Coding change: c.1417C>T on transcript NM_004281.4 (MANE Select); coding-DNA position 1417, C replaced by T.
Protein change: p.Arg473Ter; replaces arginine 473 with a stop codon.
Molecular consequence: nonsense.
Genome position (GRCh38, 1-based): chr10:119,676,971, C>T. VCF-style: chr10-119676971-C-T. GRCh37 (hg19) VCF-style: chr10-121436483-C-T.
Other names: short protein forms R473*.
Identifiers: ClinVar variation 620529 (VCV000620529.14), dbSNP rs199682693, ClinGen allele CA378297277.

ClinVar aggregate classification (germline): Pathogenic/Likely pathogenic. Review status: criteria provided, multiple submitters, no conflicts (2 of 4 stars). 6 submissions from 6 submitters: Pathogenic (1); Likely pathogenic (5). Last evaluated 2026-04-23.

Conditions:
Cardiovascular phenotype. Identifiers: MedGen CN230736.
Dilated cardiomyopathy 1HH (CMD1HH). Identifiers: Orphanet 154, MedGen C3151293, MONDO:0013479, OMIM 613881.
BAG3-related disorder. Also called: BAG3-related condition.
Myofibrillar myopathy 6. Identifiers: Orphanet 199340, MedGen C2751831, MONDO:0013061, OMIM 612954.

Submissions (6):

Institute of Human Genetics, University of Leipzig Medical Center
Classification: Pathogenic for Dilated cardiomyopathy 1HH. Last evaluated: 2026-04-23. Review status: criteria provided, single submitter. Criteria: ACMG Guidelines, 2015. Collection method: clinical testing. Allele origin: unknown. Inheritance: Autosomal dominant inheritance. Affected: yes.
Comment: Criteria applied: PVS1,PS4_MOD,PM2

Labcorp Genetics (formerly Invitae), Labcorp
Classification: Likely pathogenic for Dilated cardiomyopathy 1HH; Myofibrillar myopathy 6. Last evaluated: 2026-01-28. Review status: criteria provided, single submitter. Criteria: Invitae Variant Classification Sherloc (09022015). Collection method: clinical testing. Allele origin: germline.
Comment: This sequence change creates a premature translational stop signal (p.Arg473*) in the BAG3 gene. While this is not anticipated to result in nonsense mediated decay, it is expected to disrupt the last 103 amino acid(s) of the BAG3 protein. This variant is not present in population databases (gnomAD no frequency). This premature translational stop signal has been observed in individuals with dilated cardiomyopathy (PMID: 28436997, 32160020, 35838873, 39472908). ClinVar contains an entry for this variant (Variation ID: 620529). This variant disrupts a region of the BAG3 protein in which other variant(s) (p.Arg477His) have been observed in individuals with BAG3-related conditions (PMID: 21353195). This suggests that this is a clinically significant region of the protein, and that variants that disrupt it are likely to be disease-causing. In summary, the currently available evidence indicates that the variant is pathogenic, but additional data are needed to prove that conclusively. Therefore, this variant has been classified as Likely Pathogenic.

Ambry Genetics
Classification: Likely pathogenic for Cardiovascular phenotype. Last evaluated: 2025-05-27. Review status: criteria provided, single submitter. Criteria: Ambry Variant Classification Scheme 2023. Collection method: clinical testing. Allele origin: germline.
Comment: The p.R473* variant (also known as c.1417C>T), located in coding exon 4 of the BAG3 gene, results from a C to T substitution at nucleotide position 1417. This changes the amino acid from an arginine to a stop codon within coding exon 4. This alteration occurs at the 3' terminus of theBAG3 gene, is not expected to trigger nonsense-mediated mRNA decay, and impacts the last 103 amino acids of the protein. However, premature stop codons are typically deleterious in nature and the impacted region is critical for protein function (Ambry internal data). This variant was reported in a severe neonatal dilated cardiomyopathy (DCM) case (Janin A et al. Clin Genet, 2017 Dec;92:616-623). This variant is considered to be rare based on population cohorts in the Genome Aggregation Database (gnomAD). Based on the majority of available evidence to date, this variant is likely to be pathogenic.

Molecular Diagnostic Laboratory for Inherited Cardiovascular Disease, Montreal Heart Institute
Classification: Likely pathogenic for Cardiovascular phenotype. Last evaluated: 2024-11-14. Review status: criteria provided, single submitter. Criteria: ACMG Guidelines, 2015. Collection method: clinical testing. Allele origin: germline. Affected: yes.
Comment: PVS1_strong;PM2

Blueprint Genetics
Classification: Likely pathogenic for BAG3-related disorders. Last evaluated: 2023-10-30. Review status: criteria provided, single submitter. Criteria: ACMG Guidelines, 2015. Collection method: clinical testing. Allele origin: germline. Affected: yes. Observed: 4 variant alleles.

GeneDx
Classification: Likely pathogenic. Last evaluated: 2018-12-24. Review status: criteria provided, single submitter. Criteria: GeneDx Variant Classification (06012015). Collection method: clinical testing. Allele origin: germline. Affected: yes.
Comment: The R473X likely pathogenic variant in the BAG3 gene has been reported in a patient diagnosed with dilated cardiomyopathy in infancy (Janin et al., 2017). This variant is predicted to cause loss of normal protein function by protein truncation as the last 102 amino acids are deleted. Other nonsense variants in the BAG3 gene have been reported in Human Gene Mutation Database in association with cardiomyopoathy (Stenson et al., 2014). Furthermore, the R473X variant is not observed in large population cohorts (Lek et al., 2016). In summary, R473X in the BAG3 gene is interpreted as a likely pathogenic variant.

Literature cited by the submitters: PubMed 28436997 (cited by Labcorp Genetics (formerly Invitae), Labcorp and Ambry Genetics); PubMed 32160020 (cited by Labcorp Genetics (formerly Invitae), Labcorp); PubMed 35838873 (cited by Labcorp Genetics (formerly Invitae), Labcorp); PubMed 39472908 (cited by Labcorp Genetics (formerly Invitae), Labcorp); PubMed 21353195 (cited by Labcorp Genetics (formerly Invitae), Labcorp).